The following is an entry in ClinVar:

NM_000419.5(ITGA2B):c.1423C>T (p.Gln475Ter)

Gene: ITGA2B (integrin subunit alpha 2b; minus strand). Cytogenetic location: 17q21.31.
Variant type: single nucleotide variant.
Coding change: c.1423C>T on transcript NM_000419.5 (MANE Select); coding-DNA position 1423, C replaced by T.
Protein change: p.Gln475Ter; replaces glutamine 475 with a stop codon.
Molecular consequence: nonsense.
Genome position (GRCh38, 1-based): chr17:44,380,616, G>A on the plus strand (C>T on the coding strand, the complement: ITGA2B is on the minus strand). VCF-style: chr17-44380616-G-A. GRCh37 (hg19) VCF-style: chr17-42457984-G-A.
Other names: NM_000419.5:c.1423C>T; short protein forms Q475*.
Identifiers: ClinVar variation 3242400 (VCV003242400.1), dbSNP rs2048587538.

ClinVar aggregate classification (germline): Pathogenic (3 of 4 stars; one submission).

Conditions:
Glanzmann thrombasthenia. Also called: PLATELET GLYCOPROTEIN IIb-IIIa DEFICIENCY; Thrombasthenia; Glanzmann's thrombasthenia; BLEEDING DISORDER, PLATELET-TYPE, 2; THROMBASTHENIA OF GLANZMANN AND NAEGELI. Identifiers: Orphanet 849, MedGen C0040015, MONDO:0100326.

Submission:

ClinGen Platelet Disorders Variant Curation Expert Panel, ClinGen
Classification: Pathogenic for Glanzmann thrombasthenia. Last evaluated: 2024-02-20. Review status: reviewed by expert panel. Criteria: ClinGen Platelet ACMG Specifications v2-1. Collection method: curation. Allele origin: germline. Inheritance: Autosomal recessive inheritance.
Comment: The c.1423C>T (p.Gln475Ter) variant is a nonsense variant predicted to cause a premature stop codon in biologically-relevant-exon 14/30 and is predicted to lead to nonsense mediated decay in a gene in which loss-of-function is an established mechanism (PVS1; PMID:31980526). At least one patient (Patient 8 in PMID:36672149) with this variant displayed mucocutaneous bleeding and impaired aggregation with all agonists except ristocetin, which is highly specific for Glanzmann thrombasthenia. Additionally, αIIbβ3 surface expression was absent (<25%), as measured by flow cytometry. However, ITGA2B and ITGB3 were not reported to be sequenced across all exons and intron/exon boundaries (PP4_moderate). The same individual was homozygous for the variant and confirmed in trans (0.5 PM3 points, PMID:36672149). Total points: 0.5 (PM3_supporting). This variant is absent from gnomAD v.2.1.1 (PM2_supporting). In summary, this variant meets the criteria to be classified as pathogenic for autosomal recessive Glanzmann Thrombasthenia based on the ACMG/AMP criteria applied, as specified by the ClinGen PD VCEP: PVS1, PM3_supporting, PM2_supporting, PP4_moderate. (VCEP specifications version 2; date of approval 02/20/2024)